The following is an entry in ClinVar:

NM_001042492.3(NF1):c.1711dup (p.Trp571fs)

Gene: NF1 (neurofibromin 1; plus strand). Cytogenetic location: 17q11.2.
Variant type: Duplication.
Coding change: c.1711dup on transcript NM_001042492.3 (MANE Select); coding-DNA position 1711, one base duplicated (T; older notation c.1711dupT).
Protein change: p.Trp571fs; shifts the reading frame from tryptophan 571.
Molecular consequence: frameshift variant.
Genome position (GRCh38, 1-based): chr17:31,221,919, T duplicated; the last of 4 consecutive T bases (chr17:31,221,916-31,221,919); duplicating any one gives the same sequence. VCF-style (leftmost placement, unchanged base first): chr17-31221915-A-AT. GRCh37 (hg19) VCF-style: chr17-29548933-A-AT.
Other names: c.1711dup, p.Trp571fs (NM_000267.4, NM_001128147.3); short protein forms W571fs.
Identifiers: ClinVar variation 4723391 (VCV004723391.1).

ClinVar aggregate classification (germline): Pathogenic (1 of 4 stars; one submission).

Conditions:
Neurofibromatosis, type 1 (NF1). Also called: NEUROFIBROMATOSIS, TYPE I, SOMATIC; VON RECKLINGHAUSEN DISEASE; Peripheral type neurofibromatosis; Neurofibromatosis, type I. Identifiers: Orphanet 636, MedGen C0027831, MONDO:0018975, OMIM 162200. Disease mechanism: loss of function.

Submission:

Labcorp Genetics (formerly Invitae), Labcorp
Classification: Pathogenic for Neurofibromatosis, type 1. Last evaluated: 2025-07-16. Review status: criteria provided, single submitter. Criteria: Invitae Variant Classification Sherloc (09022015). Collection method: clinical testing. Allele origin: germline.
Comment: This sequence change creates a premature translational stop signal (p.Trp571Leufs*4) in the NF1 gene. It is expected to result in an absent or disrupted protein product. Loss-of-function variants in NF1 are known to be pathogenic (PMID: 10712197, 23913538). This variant is not present in population databases (gnomAD no frequency). This variant has not been reported in the literature in individuals affected with NF1-related conditions. Algorithms developed to predict the effect of sequence changes on RNA splicing suggest that this variant may disrupt the consensus splice site. For these reasons, this variant has been classified as Pathogenic.

Literature cited by the submitters: PubMed 10712197; PubMed 23913538.